The following is an entry in ClinVar:

ClinVar aggregate classification (germline): Uncertain significance (1 of 4 stars; one submission).

Submission:

Labcorp Genetics (formerly Invitae), Labcorp
Classification: Uncertain significance. Last evaluated: 2024-05-09. Review status: criteria provided, single submitter. Criteria: Invitae Variant Classification Sherloc (09022015). Collection method: clinical testing. Allele origin: germline.
Comment: This sequence change replaces threonine, which is neutral and polar, with alanine, which is neutral and non-polar, at codon 838 of the SON protein (p.Thr838Ala). This variant is present in population databases (no rsID available, gnomAD 0.007%). This variant has not been reported in the literature in individuals affected with SON-related conditions. An algorithm developed to predict the effect of missense changes on protein structure and function (PolyPhen-2) suggests that this variant is likely to be disruptive. In summary, the available evidence is currently insufficient to determine the role of this variant in disease. Therefore, it has been classified as a Variant of Uncertain Significance.

NM_138927.4(SON):c.2512A>G (p.Thr838Ala)

Gene: SON (SON DNA and RNA binding protein; plus strand). Cytogenetic location: 21q22.11.
Variant type: single nucleotide variant.
Coding change: c.2512A>G on transcript NM_138927.4 (MANE Select); coding-DNA position 2512, A replaced by G.
Protein change: p.Thr838Ala; replaces threonine 838 with alanine.
Molecular consequence: missense variant. On other transcripts: non-coding transcript variant (1), intron variant (1).
Genome position (GRCh38, 1-based): chr21:33,551,743, A>G. VCF-style: chr21-33551743-A-G. GRCh37 (hg19) VCF-style: chr21-34924049-A-G.
Other names: c.2512A>G, p.Thr838Ala (NM_001291411.2, NM_032195.3); c.244+5364A>G (NM_001291412.3); short protein forms T838A.
Identifiers: ClinVar variation 3703965 (VCV003703965.2).